The following is an entry in ClinVar:

ClinVar aggregate classification (germline): Uncertain significance. Review status: criteria provided, multiple submitters, no conflicts (2 of 4 stars). 2 submissions from 2 submitters: Uncertain significance (2). Last evaluated 2022-05-05.

Allele frequency attached by ClinVar (database versions not stated): gnomAD exomes below 0.00001; gnomAD 0.00002; TOPMed 0.00002.
gnomAD v4.1: 6 of 1,613,568 alleles (0.00037%); highest among the groups gnomAD compares: Non-Finnish European, 0.00051%; no homozygotes.

Submissions (2):

Labcorp Genetics (formerly Invitae), Labcorp
Classification: Uncertain significance. Last evaluated: 2022-05-05. Review status: criteria provided, single submitter. Criteria: Invitae Variant Classification Sherloc (09022015). Collection method: clinical testing. Allele origin: germline.
Comment: This sequence change replaces glutamine, which is neutral and polar, with arginine, which is basic and polar, at codon 254 of the LCA5 protein (p.Gln254Arg). This variant is present in population databases (no rsID available, gnomAD 0.007%). This variant has not been reported in the literature in individuals affected with LCA5-related conditions. ClinVar contains an entry for this variant (Variation ID: 1040168). Algorithms developed to predict the effect of missense changes on protein structure and function are either unavailable or do not agree on the potential impact of this missense change (SIFT: "Tolerated"; PolyPhen-2: "Probably Damaging"; Align-GVGD: "Class C0"). In summary, the available evidence is currently insufficient to determine the role of this variant in disease. Therefore, it has been classified as a Variant of Uncertain Significance.

Blueprint Genetics
Classification: Uncertain significance. Last evaluated: 2018-10-19. Review status: criteria provided, single submitter. Criteria: ACMG Guidelines, 2015. Collection method: clinical testing. Allele origin: germline.

NM_001122769.3(LCA5):c.761A>G (p.Gln254Arg)

Gene: LCA5 (lebercilin LCA5; minus strand). Cytogenetic location: 6q14.1.
Variant type: single nucleotide variant.
Coding change: c.761A>G on transcript NM_001122769.3 (MANE Select); coding-DNA position 761, A replaced by G.
Protein change: p.Gln254Arg; replaces glutamine 254 with arginine.
Molecular consequence: missense variant.
Genome position (GRCh38, 1-based): chr6:79,493,710, T>C on the plus strand (A>G on the coding strand, the complement: LCA5 is on the minus strand). VCF-style: chr6-79493710-T-C. GRCh37 (hg19) VCF-style: chr6-80203427-T-C.
Other names: c.761A>G, p.Gln254Arg (NM_181714.4); short protein forms Q254R.
Identifiers: ClinVar variation 1040168 (VCV001040168.7), dbSNP rs1342120418, ClinGen allele CA364645409.
Genomic context (GRCh38, chr6:79,493,710, plus strand): 5'-AGAACTTTATTTTCATCATGAGCCTCATATGCCCTTTTCCTTTCAGCAAGCAACTGTCGT[T>C]GGAAACTGTTAGTACTCAGTTCAAGGTTTTTCGATAGCTCCTATATGTATAAATACATAA-3'
Protein context (NP_001116241.1, residues 244-264): KNLELSTNSF[Gln254Arg]RQLLAERKRA